The following is an entry in ClinVar:

NM_002439.5(MSH3):c.3322G>T (p.Ala1108Ser)

Gene: MSH3 (mutS homolog 3; plus strand). Cytogenetic location: 5q14.1.
Variant type: single nucleotide variant.
Coding change: c.3322G>T on transcript NM_002439.5 (MANE Select); coding-DNA position 3322, G replaced by T.
Protein change: p.Ala1108Ser; replaces alanine 1108 with serine.
Molecular consequence: missense variant.
Genome position (GRCh38, 1-based): chr5:80,875,770, G>T. VCF-style: chr5-80875770-G-T. GRCh37 (hg19) VCF-style: chr5-80171589-G-T.
Other names: short protein forms A1108S.
Identifiers: ClinVar variation 3296300 (VCV003296300.1).

ClinVar aggregate classification (germline): Uncertain significance (1 of 4 stars; one submission).

Conditions:
Hereditary cancer-predisposing syndrome. Also called: Tumor predisposition; Hereditary Cancer Syndrome; Hereditary neoplastic syndrome; Neoplastic Syndromes, Hereditary. Identifiers: Orphanet 140162, MedGen C0027672, MeSH D009386, MONDO:0015356.

Submission:

Ambry Genetics
Classification: Uncertain significance for Hereditary cancer-predisposing syndrome. Last evaluated: 2024-05-30. Review status: criteria provided, single submitter. Criteria: Ambry Variant Classification Scheme 2023. Collection method: clinical testing. Allele origin: germline.
Comment: The p.A1108S variant (also known as c.3322G>T), located in coding exon 24 of the MSH3 gene, results from a G to T substitution at nucleotide position 3322. The alanine at codon 1108 is replaced by serine, an amino acid with similar properties. This amino acid position is conserved. In addition, this alteration is predicted to be tolerated by in silico analysis. Based on the available evidence, the clinical significance of this variant remains unclear.